The following is an entry in ClinVar:

NM_001035.3(RYR2):c.1789A>T (p.Ile597Phe)

Gene: RYR2 (ryanodine receptor 2; plus strand). Cytogenetic location: 1q43.
Variant type: single nucleotide variant.
Coding change: c.1789A>T on transcript NM_001035.3 (MANE Select); coding-DNA position 1789, A replaced by T.
Protein change: p.Ile597Phe; replaces isoleucine 597 with phenylalanine.
Molecular consequence: missense variant.
Genome position (GRCh38, 1-based): chr1:237,491,886, A>T. VCF-style: chr1-237491886-A-T. GRCh37 (hg19) VCF-style: chr1-237655186-A-T.
Other names: short protein forms I597F.
Identifiers: ClinVar variation 2704538 (VCV002704538.3), dbSNP rs770408945, ClinGen allele CA345388126.

ClinVar aggregate classification (germline): Uncertain significance (1 of 4 stars; one submission).

Conditions:
Catecholaminergic polymorphic ventricular tachycardia 1. Also called: VENTRICULAR TACHYCARDIA, CATECHOLAMINERGIC POLYMORPHIC, 1, WITH OR WITHOUT ATRIAL DYSFUNCTION AND/OR DILATED CARDIOMYOPATHY; VENTRICULAR TACHYCARDIA, STRESS-INDUCED POLYMORPHIC 1; RYR2-Related Catecholaminergic Polymorphic Ventricular Tachycardia. Identifiers: Orphanet 3286, MedGen C1631597, MONDO:0011484, OMIM 604772.

Submission:

Labcorp Genetics (formerly Invitae), Labcorp
Classification: Uncertain significance for Catecholaminergic polymorphic ventricular tachycardia 1. Last evaluated: 2023-12-23. Review status: criteria provided, single submitter. Criteria: Invitae Variant Classification Sherloc (09022015). Collection method: clinical testing. Allele origin: germline.
Comment: This sequence change replaces isoleucine, which is neutral and non-polar, with phenylalanine, which is neutral and non-polar, at codon 597 of the RYR2 protein (p.Ile597Phe). This variant is not present in population databases (gnomAD no frequency). This variant has not been reported in the literature in individuals affected with RYR2-related conditions. Advanced modeling of protein sequence and biophysical properties (such as structural, functional, and spatial information, amino acid conservation, physicochemical variation, residue mobility, and thermodynamic stability) performed at Invitae indicates that this missense variant is expected to disrupt RYR2 protein function with a positive predictive value of 95%. In summary, the available evidence is currently insufficient to determine the role of this variant in disease. Therefore, it has been classified as a Variant of Uncertain Significance.